The following is an entry in ClinVar:

NM_005505.5(SCARB1):c.403G>A (p.Val135Ile)

Gene: SCARB1 (scavenger receptor class B member 1; minus strand). Cytogenetic location: 12q24.31.
Variant type: single nucleotide variant.
Coding change: c.403G>A on transcript NM_005505.5 (MANE Select); coding-DNA position 403, G replaced by A.
Protein change: p.Val135Ile; replaces valine 135 with isoleucine.
Molecular consequence: missense variant. On other transcripts: non-coding transcript variant (9).
Genome position (GRCh38, 1-based): chr12:124,814,996, C>T on the plus strand (G>A on the coding strand, the complement: SCARB1 is on the minus strand). VCF-style: chr12-124814996-C-T. GRCh37 (hg19) VCF-style: chr12-125299542-C-T.
Other names: c.403G>A, p.Val135Ile (NM_001082959.2, NM_001367981.1, NM_001367983.1 and 6 more transcripts); c.280G>A, p.Val94Ile (NM_001367982.1); short protein forms V135I, V94I.
Identifiers: ClinVar variation 1248125 (VCV001248125.11), dbSNP rs5891, ClinGen allele CA6870571.

ClinVar aggregate classification (germline): Benign. Review status: criteria provided, multiple submitters, no conflicts (2 of 4 stars). 3 submissions from 3 submitters: Benign (3). Last evaluated 2026-02-03.

Allele frequency attached by ClinVar (database versions not stated): ESP Exome Variant Server 0.01023; gnomAD 0.01060 and 0.01136; TOPMed 0.01102; gnomAD exomes 0.01233 and 0.01238; ExAC 0.01327; 1000 Genomes Project 30x 0.01562; 1000 Genomes Project 0.01617.
gnomAD v4.1: 19,752 of 1,614,104 alleles (1.2%); highest among the groups gnomAD compares: South Asian, 4.2%; 244 homozygotes.

Submissions (3):

Labcorp Genetics (formerly Invitae), Labcorp
Classification: Benign. Last evaluated: 2026-02-03. Review status: criteria provided, single submitter. Criteria: Invitae Variant Classification Sherloc (09022015). Collection method: clinical testing. Allele origin: germline.

GeneDx
Classification: Benign. Last evaluated: 2020-05-19. Review status: criteria provided, single submitter. Criteria: GeneDx Variant Classification Process June 2021. Collection method: clinical testing. Allele origin: germline. Affected: yes.
Comment: This variant is associated with the following publications: (PMID: 29596577, 25245032, 26571379, 17476110, 24503134)

Breakthrough Genomics
Classification: Benign. Review status: criteria provided, single submitter. Criteria: ACMG Guidelines, 2015. Collection method: not provided. Allele origin: germline. Inheritance: Unknown mechanism. Affected: yes.